The following is an entry in ClinVar:

ClinVar aggregate classification (germline): Likely benign (0 of 4 stars; one submission).

Conditions:
MUC16-related disorder. Also called: MUC16-related condition.

Allele frequency attached by ClinVar (database versions not stated): 1000 Genomes Project 30x 0.22174.

Submission:

PreventionGenetics, part of Exact Sciences
Classification: Likely benign for MUC16-related condition. Last evaluated: 2019-10-22. Review status: no assertion criteria provided. Collection method: clinical testing. Allele origin: germline.
Comment: This variant is classified as likely benign based on ACMG/AMP sequence variant interpretation guidelines (Richards et al. 2015 PMID: 25741868, with internal and published modifications).

NM_001401501.2(MUC16):c.38389-7T>C

Gene: MUC16 (mucin 16, cell surface associated; minus strand). Cytogenetic location: 19p13.2.
Variant type: single nucleotide variant.
Coding change: c.38389-7T>C on transcript NM_001401501.2 (MANE Select); 7 bases into the intron before coding-DNA position 38389, T replaced by C.
Molecular consequence: intron variant.
Genome position (GRCh38, 1-based): chr19:8,904,716, A>G on the plus strand (T>C on the coding strand, the complement: MUC16 is on the minus strand). VCF-style: chr19-8904716-A-G. GRCh37 (hg19) VCF-style: chr19-9015392-A-G.
Other names: c.38815-7T>C (NM_001414686.1); c.38269-7T>C (NM_001414687.1); c.38203-7T>C (NM_024690.2).
Identifiers: ClinVar variation 3037206 (VCV003037206.2), dbSNP rs200412559, ClinGen allele CA9164695.